The following is an entry in ClinVar:

NM_001429.4(EP300):c.4923C>G (p.Phe1641Leu)

Gene: EP300 (EP300 lysine acetyltransferase; plus strand). Cytogenetic location: 22q13.2.
Variant type: single nucleotide variant.
Coding change: c.4923C>G on transcript NM_001429.4 (MANE Select); coding-DNA position 4923, C replaced by G.
Protein change: p.Phe1641Leu; replaces phenylalanine 1641 with leucine.
Molecular consequence: missense variant.
Genome position (GRCh38, 1-based): chr22:41,176,390, C>G. VCF-style: chr22-41176390-C-G. GRCh37 (hg19) VCF-style: chr22-41572394-C-G.
Other names: c.4845C>G, p.Phe1615Leu (NM_001362843.2); short protein forms F1615L, F1641L.
Identifiers: ClinVar variation 1962839 (VCV001962839.5), dbSNP rs1167185688, ClinGen allele CA411707303.
Genomic context (GRCh38, chr22:41,176,390, plus strand): 5'-CGATCTGATGGATGGTCGGGATGCGTTTCTCACGCTGGCAAGGGACAAGCACCTGGAGTT[C>G]TCTTCACTCCGAAGAGCCCAGTGGTCCACCATGTGCATGCTGGTGGAGCTGCACACGCAG-3'
Protein context (NP_001420.2, residues 1631-1651): LTLARDKHLE[Phe1641Leu]SSLRRAQWST

ClinVar aggregate classification (germline): Uncertain significance (1 of 4 stars; one submission).

Conditions:
Rubinstein-Taybi syndrome due to EP300 haploinsufficiency. Also called: EP300-Related Rubinstein-Taybi Syndrome; RUBINSTEIN-TAYBI SYNDROME 2. Identifiers: Orphanet 353284, Orphanet 783, MedGen C3150941, MONDO:0013364, OMIM 613684.

Submission:

Labcorp Genetics (formerly Invitae), Labcorp
Classification: Uncertain significance for Rubinstein-Taybi syndrome due to EP300 haploinsufficiency. Last evaluated: 2022-10-26. Review status: criteria provided, single submitter. Criteria: Invitae Variant Classification Sherloc (09022015). Collection method: clinical testing. Allele origin: germline.
Comment: This sequence change replaces phenylalanine, which is neutral and non-polar, with leucine, which is neutral and non-polar, at codon 1641 of the EP300 protein (p.Phe1641Leu). This variant is not present in population databases (gnomAD no frequency). This variant has not been reported in the literature in individuals affected with EP300-related conditions. Advanced modeling of protein sequence and biophysical properties (such as structural, functional, and spatial information, amino acid conservation, physicochemical variation, residue mobility, and thermodynamic stability) performed at Invitae indicates that this missense variant is expected to disrupt EP300 protein function. In summary, the available evidence is currently insufficient to determine the role of this variant in disease. Therefore, it has been classified as a Variant of Uncertain Significance.